The following is an entry in ClinVar:

NM_014159.7(SETD2):c.4989G>A (p.Thr1663=)

Gene: SETD2 (SET domain containing 2, histone lysine methyltransferase; minus strand). Cytogenetic location: 3p21.31.
Variant type: single nucleotide variant.
Coding change: c.4989G>A on transcript NM_014159.7 (MANE Select); coding-DNA position 4989, G replaced by A.
Protein change: p.Thr1663=; no amino-acid change (threonine 1663 retained).
Molecular consequence: synonymous variant. On other transcripts: non-coding transcript variant (1).
Genome position (GRCh38, 1-based): chr3:47,101,484, C>T on the plus strand (G>A on the coding strand, the complement: SETD2 is on the minus strand). VCF-style: chr3-47101484-C-T. GRCh37 (hg19) VCF-style: chr3-47142974-C-T.
Other names: c.4857G>A, p.Thr1619= (NM_001349370.3).
Identifiers: ClinVar variation 475522 (VCV000475522.17), dbSNP rs148325978, ClinGen allele CA2363016.

ClinVar aggregate classification (germline): Likely benign. Review status: criteria provided, multiple submitters, no conflicts (2 of 4 stars). 2 submissions from 2 submitters: Likely benign (2). Last evaluated 2025-12-17.

Conditions:
Luscan-Lumish syndrome. Identifiers: Orphanet 597738, MedGen C4085873, MONDO:0014791, OMIM 616831.

Allele frequency attached by ClinVar (database versions not stated): gnomAD 0.00003; ESP Exome Variant Server 0.00015; TOPMed 0.00016.
gnomAD v4.1: 76 of 1,613,026 alleles (0.0047%); highest among the groups gnomAD compares: African/African-American, 0.035%; no homozygotes.

Submissions (2):

Labcorp Genetics (formerly Invitae), Labcorp
Classification: Likely benign for Luscan-Lumish syndrome. Last evaluated: 2025-12-17. Review status: criteria provided, single submitter. Criteria: Invitae Variant Classification Sherloc (09022015). Collection method: clinical testing. Allele origin: germline.

CeGaT Center for Human Genetics Tuebingen
Classification: Likely benign. Last evaluated: 2025-03-01. Review status: criteria provided, single submitter. Criteria: CeGaT Center For Human Genetics Tuebingen Variant Classification Criteria Version 2. Collection method: clinical testing. Allele origin: germline. Affected: yes. Observed: 1 variant allele.
Comment: SETD2: BP4, BP7